The following is an entry in ClinVar:

ClinVar aggregate classification (germline): Conflicting classifications of pathogenicity. Review status: criteria provided, conflicting classifications (1 of 4 stars). 4 submissions from 4 submitters: Uncertain significance (2); Likely benign (1). 1 of the submissions does not count toward it. Last evaluated 2025-11-02.

Conditions:
SCN10A-related disorder. Also called: SCN10A-related condition.
Cardiovascular phenotype. Identifiers: MedGen CN230736.
Brugada syndrome. Also called: Sudden Unexplained Death Syndrome; Sudden Unexplained Nocturnal Death Syndrome (SUNDS); Sudden unexpected nocturnal death syndrome; Sudden unexplained nocturnal death syndrome. Identifiers: Orphanet 130, MedGen C1142166, MONDO:0015263.

Allele frequency attached by ClinVar (database versions not stated): gnomAD 0.00001; gnomAD exomes 0.00005 and 0.00021; TOPMed 0.00007; ExAC 0.00013.
gnomAD v4.1: 74 of 1,613,996 alleles (0.0046%); highest among the groups gnomAD compares: Admixed American, 0.085%; no homozygotes.

Submissions (4):

Labcorp Genetics (formerly Invitae), Labcorp
Classification: Uncertain significance for Brugada syndrome. Last evaluated: 2025-11-02. Review status: criteria provided, single submitter. Criteria: Invitae Variant Classification Sherloc (09022015). Collection method: clinical testing. Allele origin: germline.
Comment: This sequence change replaces glycine, which is neutral and non-polar, with arginine, which is basic and polar, at codon 1816 of the SCN10A protein (p.Gly1816Arg). This variant is present in population databases (rs779692735, gnomAD 0.1%). This variant has not been reported in the literature in individuals affected with SCN10A-related conditions. ClinVar contains an entry for this variant (Variation ID: 1213376). Invitae Evidence Modeling of protein sequence and biophysical properties (such as structural, functional, and spatial information, amino acid conservation, physicochemical variation, residue mobility, and thermodynamic stability) indicates that this missense variant is not expected to disrupt SCN10A protein function with a negative predictive value of 80%. In summary, the available evidence is currently insufficient to determine the role of this variant in disease. Therefore, it has been classified as a Variant of Uncertain Significance.

GeneDx
Classification: Uncertain significance. Last evaluated: 2020-07-14. Review status: criteria provided, single submitter. Criteria: GeneDx Variant Classification Process June 2021. Collection method: clinical testing. Allele origin: germline. Affected: yes.
Comment: Has not been previously published as pathogenic or benign to our knowledge; In silico analysis supports that this missense variant has a deleterious effect on protein structure/function

Ambry Genetics
Classification: Likely benign for Cardiovascular phenotype. Last evaluated: 2019-04-09. Review status: criteria provided, single submitter. Criteria: Ambry Variant Classification Scheme 2023. Collection method: clinical testing. Allele origin: germline.

PreventionGenetics, part of Exact Sciences
Classification: Likely benign for SCN10A-related condition. Last evaluated: 2024-03-05. Review status: no assertion criteria provided. Collection method: clinical testing. Allele origin: germline. Not counted in ClinVar's aggregate classification.
Comment: This variant is classified as likely benign based on ACMG/AMP sequence variant interpretation guidelines (Richards et al. 2015 PMID: 25741868, with internal and published modifications).

NM_006514.4(SCN10A):c.5446G>A (p.Gly1816Arg)

Gene: SCN10A (sodium voltage-gated channel alpha subunit 10; minus strand). Cytogenetic location: 3p22.2.
Variant type: single nucleotide variant.
Coding change: c.5446G>A on transcript NM_006514.4 (MANE Select); coding-DNA position 5446, G replaced by A.
Protein change: p.Gly1816Arg; replaces glycine 1816 with arginine.
Molecular consequence: missense variant.
Genome position (GRCh38, 1-based): chr3:38,697,774, C>T on the plus strand (G>A on the coding strand, the complement: SCN10A is on the minus strand). VCF-style: chr3-38697774-C-T. GRCh37 (hg19) VCF-style: chr3-38739265-C-T.
Other names: c.5443G>A, p.Gly1815Arg (NM_001293306.2); c.5152G>A, p.Gly1718Arg (NM_001293307.2); c.5446G>A (NM_006514.3); short protein forms G1718R, G1815R, G1816R.
Identifiers: ClinVar variation 1213376 (VCV001213376.10), dbSNP rs779692735, ClinGen allele CA2319670.